The following is an entry in ClinVar:

NM_003868.3(FGF16):c.617A>G (p.Tyr206Cys)

Gene: FGF16 (fibroblast growth factor 16; plus strand). Cytogenetic location: Xq21.1.
Variant type: single nucleotide variant.
Coding change: c.617A>G on transcript NM_003868.3 (MANE Select); coding-DNA position 617, A replaced by G.
Protein change: p.Tyr206Cys; replaces tyrosine 206 with cysteine.
Molecular consequence: missense variant.
Genome position (GRCh38, 1-based): chrX:77,456,515, A>G. VCF-style: chrX-77456515-A-G. GRCh37 (hg19) VCF-style: chrX-76712006-A-G.
Other names: short protein forms Y206C.
Identifiers: ClinVar variation 1049305 (VCV001049305.1), dbSNP rs2062572977, ClinGen allele CA413705197.

ClinVar aggregate classification (germline): Uncertain significance (0 of 4 stars; one submission).

Submission:

Department of Pathology and Laboratory Medicine, Sinai Health System
Classification: Uncertain significance. Review status: no assertion criteria provided. Collection method: clinical testing. Allele origin: unknown. Affected: yes. Study: The Canadian Open Genetics Repository (COGR).
Comment: The FGF16 p.Tyr206Cys variant was not identified in the literature nor was it identified in dbSNP, ClinVar, Cosmic, LOVD 3.0 or in the following control databases: the 1000 Genomes Project, the NHLBI GO Exome Sequencing Project, the Exome Aggregation Consortium (August 8th 2016), or the Genome Aggregation Database (Feb 27, 2017). The p.Tyr206 residue is conserved in mammals and 3 of 4 computational analyses (PolyPhen-2, SIFT, BLOSUM) suggest that the variant may impact the protein; however this information is not enough to assume pathogenicity. The variant occurs outside of the splicing consensus sequence and 2 of 4 in silico or computational prediction software programs (SpliceSiteFinder, MaxEntScan, NNSPLICE, GeneSplicer) predict a greater than 10% difference in splicing; this is not very predictive of pathogenicity. In summary, based on the above information the clinical significance of this variant cannot be determined with certainty at this time. This variant is classified as a variant of uncertain significance.